The following is an entry in ClinVar:

ClinVar aggregate classification (germline): Likely benign (1 of 4 stars; one submission).

gnomAD v4.1: 24 of 1,614,110 alleles (0.0015%); highest among the groups gnomAD compares: East Asian, 0.0045%; no homozygotes.

Submission:

CeGaT Center for Human Genetics Tuebingen
Classification: Likely benign. Last evaluated: 2025-11-01. Review status: criteria provided, single submitter. Criteria: CeGaT Center For Human Genetics Tuebingen Variant Classification Criteria Version 2. Collection method: clinical testing. Allele origin: germline. Affected: yes. Observed: 1 variant allele.
Comment: ELP4: BP4

NM_019040.5(ELP4):c.65G>A (p.Ser22Asn)

Gene: ELP4 (elongator acetyltransferase complex subunit 4; plus strand). Cytogenetic location: 11p13.
Variant type: single nucleotide variant.
Coding change: c.65G>A on transcript NM_019040.5 (MANE Select); coding-DNA position 65, G replaced by A.
Protein change: p.Ser22Asn; replaces serine 22 with asparagine.
Molecular consequence: missense variant.
Genome position (GRCh38, 1-based): chr11:31,509,849, G>A. VCF-style: chr11-31509849-G-A. GRCh37 (hg19) VCF-style: chr11-31531396-G-A.
Other names: c.65G>A, p.Ser22Asn (NM_001288725.2, NM_001288726.2); short protein forms S22N.
Identifiers: ClinVar variation 4533636 (VCV004533636.6).